The following is an entry in ClinVar:

NM_000090.4(COL3A1):c.3235_3236delinsTT (p.Ala1079Phe)

Gene: COL3A1 (collagen type III alpha 1 chain; plus strand). Cytogenetic location: 2q32.2.
Variant type: Indel.
Coding change: c.3235_3236delinsTT on transcript NM_000090.4 (MANE Select); coding-DNA positions 3235 to 3236, GC replaced by TT.
Protein change: p.Ala1079Phe; replaces alanine 1079 with phenylalanine.
Molecular consequence: missense variant.
Genome position (GRCh38, 1-based): chr2:189,006,970-189,006,971, GC replaced by TT. VCF-style: chr2-189006970-GC-TT. GRCh37 (hg19) VCF-style: chr2-189871696-GC-TT.
Other names: c.3235_3236delGCinsTT, p.Ala1079Phe (NM_000090.3); short protein forms A1079F.
Identifiers: ClinVar variation 5037471 (VCV005037471.1).

ClinVar aggregate classification (germline): Uncertain significance (1 of 4 stars; one submission).

Submission:

GeneDx
Classification: Uncertain significance. Last evaluated: 2026-04-22. Review status: criteria provided, single submitter. Criteria: GeneDx Variant Classification Process June 2021. Collection method: clinical testing. Allele origin: germline.
Comment: Not observed at significant frequency in large population cohorts (gnomAD); In silico analysis supports a deleterious effect on protein structure/function; Has not been previously published as pathogenic or benign to our knowledge; Occurs in the triple helical domain at the Y position in the canonical Gly-X-Y repeat; although this variant may have an effect on normal protein folding and function, missense substitution at the Y position is not a common mechanism of disease (HGMD)